The following is an entry in ClinVar:

NM_206933.4(USH2A):c.13011G>A (p.Thr4337=)

Gene: USH2A (usherin; minus strand). Cytogenetic location: 1q41.
Variant type: single nucleotide variant.
Coding change: c.13011G>A on transcript NM_206933.4 (MANE Select); coding-DNA position 13011, G replaced by A.
Protein change: p.Thr4337=; no amino-acid change (threonine 4337 retained).
Molecular consequence: synonymous variant.
Genome position (GRCh38, 1-based): chr1:215,674,900, C>T on the plus strand (G>A on the coding strand, the complement: USH2A is on the minus strand). VCF-style: chr1-215674900-C-T. GRCh37 (hg19) VCF-style: chr1-215848242-C-T.
Other names: c.13011G>A (NM_206933.2).
Identifiers: ClinVar variation 1102722 (VCV001102722.11), dbSNP rs768134583, ClinGen allele CA1393369.

ClinVar aggregate classification (germline): Likely benign. Review status: criteria provided, multiple submitters, no conflicts (2 of 4 stars). 3 submissions from 3 submitters: Likely benign (3). Last evaluated 2025-12-31.

Conditions:
USH2A-related disorder. Also called: USH2A-related condition; USH2A-related disorders. Identifiers: MedGen CN239332.

Allele frequency attached by ClinVar (database versions not stated): gnomAD 0.00001; gnomAD exomes 0.00001 and 0.00002; ExAC 0.00002.
gnomAD v4.1: 22 of 1,614,010 alleles (0.0014%); highest among the groups gnomAD compares: Middle Eastern, 0.016%; no homozygotes.

Submissions (3):

PreventionGenetics, part of Exact Sciences
Classification: Likely benign for USH2A-related condition. Last evaluated: 2025-12-31. Review status: criteria provided, single submitter. Criteria: ACMG Guidelines, 2015. Collection method: clinical testing. Allele origin: germline.
Comment: This variant is classified as likely benign based on ACMG/AMP sequence variant interpretation guidelines (Richards et al. 2015 PMID: 25741868, with internal and published modifications).

Blueprint Genetics
Classification: Likely benign. Last evaluated: 2024-03-08. Review status: criteria provided, single submitter. Criteria: ACMG Guidelines, 2015. Collection method: clinical testing. Allele origin: germline.

Labcorp Genetics (formerly Invitae), Labcorp
Classification: Likely benign. Last evaluated: 2024-02-05. Review status: criteria provided, single submitter. Criteria: Invitae Variant Classification Sherloc (09022015). Collection method: clinical testing. Allele origin: germline.